The following is an entry in ClinVar:

NM_057176.3(BSND):c.600C>A (p.Asp200Glu)

Gene: BSND (barttin CLCNK type accessory subunit beta; plus strand). Cytogenetic location: 1p32.3.
Variant type: single nucleotide variant.
Coding change: c.600C>A on transcript NM_057176.3 (MANE Select); coding-DNA position 600, C replaced by A.
Protein change: p.Asp200Glu; replaces aspartic acid 200 with glutamic acid.
Molecular consequence: missense variant.
Genome position (GRCh38, 1-based): chr1:55,008,265, C>A. VCF-style: chr1-55008265-C-A. GRCh37 (hg19) VCF-style: chr1-55473938-C-A.
Other names: short protein forms D200E.
Identifiers: ClinVar variation 4739438 (VCV004739438.1).
Genomic context (GRCh38, chr1:55,008,265, plus strand): 5'-TCCCTGCAGCCCCCTGGCCTGTCCCCAGGGCCCTGCCCCCTTGGCTTCCTTCCAAGATGA[C>A]CTGGACATGGACTCCAGTGAAGGCAGCAGCCCCAATGCATCTCCACATGACAGGGAGGAA-3'
Protein context (NP_476517.1, residues 190-210): GPAPLASFQD[Asp200Glu]LDMDSSEGSS

ClinVar aggregate classification (germline): Uncertain significance (1 of 4 stars; one submission).

Submission:

Labcorp Genetics (formerly Invitae), Labcorp
Classification: Uncertain significance. Last evaluated: 2026-02-01. Review status: criteria provided, single submitter. Criteria: Invitae Variant Classification Sherloc (09022015). Collection method: clinical testing. Allele origin: germline.
Comment: This sequence change replaces aspartic acid, which is acidic and polar, with glutamic acid, which is acidic and polar, at codon 200 of the BSND protein (p.Asp200Glu). This variant is present in population databases (rs767298542, gnomAD 0.004%). This variant has not been reported in the literature in individuals affected with BSND-related conditions. Invitae Evidence Modeling of protein sequence and biophysical properties (such as structural, functional, and spatial information, amino acid conservation, physicochemical variation, residue mobility, and thermodynamic stability) indicates that this missense variant is not expected to disrupt BSND protein function with a negative predictive value of 80%. In summary, the available evidence is currently insufficient to determine the role of this variant in disease. Therefore, it has been classified as a Variant of Uncertain Significance.